The following is an entry in ClinVar:

ClinVar aggregate classification (germline): Pathogenic/Likely pathogenic. Review status: criteria provided, multiple submitters, no conflicts (2 of 4 stars). 3 submissions from 3 submitters: Pathogenic (1); Likely pathogenic (1). 1 of the submissions does not count toward it.

Conditions:
Liberfarb syndrome (LIBF). Also called: Short stature-skeletal dysplasia-retinal degeneration-intellectual disability-sensorineural hearing loss syndrome; SPONDYLOEPIMETAPHYSEAL DYSPLASIA, LIBERFARB TYPE. Identifiers: Orphanet 589442, MedGen C5394404, MONDO:0030045, OMIM 618889.

Submissions (3):

Kasturba Medical College, Manipal, Kasturba Medical College, Manipal, Manipal Academy of Higher Education, Manipal, India
Classification: Likely pathogenic for Liberfarb syndrome. Review status: criteria provided, single submitter. Criteria: ACMG Guidelines, 2015. Collection method: clinical testing. Allele origin: inherited. Inheritance: Autosomal recessive inheritance. Affected: yes.

Neuberg Centre For Genomic Medicine, NCGM
Classification: Pathogenic for Liberfarb syndrome. Review status: criteria provided, single submitter. Criteria: ACMG Guidelines, 2015. Collection method: clinical testing. Allele origin: germline. Affected: yes.
Comment: The missense variant p.C300Y in PISD (NM_001326411.1) has been previously reported in affected patients and C266Y (Girisha KM et al; Zhao T et al).Functional analysis revealed a damaging effect. The p.C300Y variant is novel (not in any individuals) in gnomAD Exomes and is novel (not in any individuals) in 1000 Genomes. The p.C300Y missense variant is predicted to be damaging by both SIFT and PolyPhen2. The cysteine residue at codon 300 of PISD is conserved in all mammalian species. The nucleotide c.899 in PISD is predicted conserved by GERP++ and PhyloP across 100 vertebrates. For these reasons, this variant has been classified as Pathogenic.

OMIM
Classification: Pathogenic for LIBERFARB SYNDROME. Last evaluated: 2020-05-20. Review status: no assertion criteria provided. Collection method: literature only. Allele origin: germline. Not counted in ClinVar's aggregate classification.

Literature cited by the submitters: PubMed 30488656 (cited by Kasturba Medical College, Manipal, Kasturba Medical College, Manipal, Manipal Academy of Higher Education, Manipal, India and OMIM); PubMed 30858161 (cited by OMIM).

NM_001326411.2(PISD):c.899G>A (p.Cys300Tyr)

Gene: PISD (phosphatidylserine decarboxylase; minus strand). Cytogenetic location: 22q12.2.
Variant type: single nucleotide variant.
Coding change: c.899G>A on transcript NM_001326411.2 (MANE Select); coding-DNA position 899, G replaced by A.
Protein change: p.Cys300Tyr; replaces cysteine 300 with tyrosine.
Molecular consequence: missense variant. On other transcripts: intron variant (3).
Genome position (GRCh38, 1-based): chr22:31,620,659, C>T on the plus strand (G>A on the coding strand, the complement: PISD is on the minus strand). VCF-style: chr22-31620659-C-T. GRCh37 (hg19) VCF-style: chr22-32016645-C-T.
Other names: c.836G>A, p.Cys279Tyr (NM_001326412.1, NM_001326413.2, NM_001326414.2); c.797G>A, p.Cys266Tyr (NM_001326415.2, NM_001326416.2, NM_001326417.2 and 2 more transcripts); c.719G>A, p.Cys240Tyr (NM_001326418.2); c.844+337G>A (NM_001326421.1); c.665-60G>A (NM_001326420.2); c.743-60G>A (NM_001326419.2); short protein forms C266Y, C300Y, C240Y, C279Y.
Identifiers: ClinVar variation 873551 (VCV000873551.5), dbSNP rs2072505076, ClinGen allele CA411285485.